The following is an entry in ClinVar:

NM_004006.3(DMD):c.527dup (p.His176fs)

Gene: DMD (dystrophin; minus strand). Cytogenetic location: Xp21.1.
Variant type: Duplication.
Coding change: c.527dup on transcript NM_004006.3 (MANE Select); coding-DNA position 527, one base duplicated (A; older notation c.527dupA).
Protein change: p.His176fs; shifts the reading frame from histidine 176.
Molecular consequence: frameshift variant.
Genome position (GRCh38, 1-based): chrX:32,816,471, T duplicated on the plus strand (A on the coding strand, the reverse complement: DMD is on the minus strand). VCF-style (leftmost placement, unchanged base first): chrX-32816470-A-AT. GRCh37 (hg19) VCF-style: chrX-32834587-A-AT.
Other names: c.503dup, p.His168fs (NM_000109.4); c.515dup, p.His172fs (NM_004009.3); c.158dup, p.His53fs (NM_004010.3); short protein forms H168fs, H172fs, H176fs, H53fs.
Identifiers: ClinVar variation 4819347 (VCV004819347.1).

ClinVar aggregate classification (germline): Likely pathogenic (1 of 4 stars; one submission).

Conditions:
Duchenne muscular dystrophy (DMD). Also called: Duchenne Muscular Dystrophy (DMD); MUSCULAR DYSTROPHY, PSEUDOHYPERTROPHIC PROGRESSIVE, DUCHENNE TYPE. Identifiers: Orphanet 98896, MedGen C0013264, MONDO:0010679, OMIM 310200.

Submission:

Clinical Biomedical Laboratory, Shriners Hospital For Children - Canada
Classification: Likely pathogenic for Duchenne muscular dystrophy. Review status: criteria provided, single submitter. Criteria: ACMG Guidelines, 2015. Collection method: clinical testing. Allele origin: germline. Affected: yes.
Comment: This variant is predicted to substitute a histidine residue by a glutamine residue and introduce a stop codon 2 amino acids downstream. This is expected to lead to degradation of the affected transcript and loss of function of the affected allele. This variant is absent from the Genome Aggregation Database (v2.1.1.), indicating it is very rare. Based on the ACMG variant interpretation guidelines (criteria: PVS1, PM2), the available evidence supports classification of this variant as likely pathogenic.